The following is an entry in ClinVar:

ClinVar aggregate classification (germline): Uncertain significance. Review status: criteria provided, multiple submitters, no conflicts (2 of 4 stars). 3 submissions from 3 submitters: Uncertain significance (3). Last evaluated 2022-11-09.

Conditions:
Autosomal recessive limb-girdle muscular dystrophy type 2W (MDRCMTT). Also called: Muscular dystrophy, autosomal recessive, with cardiomyopathy and triangular tongue; Muscular dystrophy, limb-girdle, type 2W. Identifiers: MedGen C4225192, MONDO:0014788, OMIM 616827.

Allele frequency attached by ClinVar (database versions not stated): ExAC 0.00003; gnomAD exomes 0.00003 and 0.00004; TOPMed 0.00003; gnomAD 0.00004.
gnomAD v4.1: 47 of 1,611,406 alleles (0.0029%); highest among the groups gnomAD compares: African/African-American, 0.0093%; no homozygotes.

Submissions (3):

Labcorp Genetics (formerly Invitae), Labcorp
Classification: Uncertain significance for Autosomal recessive limb-girdle muscular dystrophy type 2W. Last evaluated: 2022-11-09. Review status: criteria provided, single submitter. Criteria: Invitae Variant Classification Sherloc (09022015). Collection method: clinical testing. Allele origin: germline.
Comment: In summary, the available evidence is currently insufficient to determine the role of this variant in disease. Therefore, it has been classified as a Variant of Uncertain Significance. This sequence change replaces arginine, which is basic and polar, with cysteine, which is neutral and slightly polar, at codon 39 of the LIMS2 protein (p.Arg39Cys). This variant is present in population databases (rs760929162, gnomAD 0.02%). This variant has not been reported in the literature in individuals affected with LIMS2-related conditions. ClinVar contains an entry for this variant (Variation ID: 1054460). Algorithms developed to predict the effect of missense changes on protein structure and function are either unavailable or do not agree on the potential impact of this missense change (SIFT: "Deleterious"; PolyPhen-2: "Benign"; Align-GVGD: "Class C65").

Ambry Genetics
Classification: Uncertain significance. Last evaluated: 2021-07-20. Review status: criteria provided, single submitter. Criteria: Ambry Variant Classification Scheme 2023. Collection method: clinical testing. Allele origin: germline.

Revvity Omics, Revvity
Classification: Uncertain significance for Autosomal recessive limb-girdle muscular dystrophy type 2W. Last evaluated: 2019-06-21. Review status: criteria provided, single submitter. Criteria: ACMG Guidelines, 2015. Collection method: clinical testing. Allele origin: germline.

NM_001161403.3(LIMS2):c.49C>T (p.Arg17Cys)

Gene: LIMS2 (LIM zinc finger domain containing 2; minus strand). Cytogenetic location: 2q14.3.
Variant type: single nucleotide variant.
Coding change: c.49C>T on transcript NM_001161403.3 (MANE Select); coding-DNA position 49, C replaced by T.
Protein change: p.Arg17Cys; replaces arginine 17 with cysteine.
Molecular consequence: missense variant.
Genome position (GRCh38, 1-based): chr2:127,657,525, G>A on the plus strand (C>T on the coding strand, the complement: LIMS2 is on the minus strand). VCF-style: chr2-127657525-G-A. GRCh37 (hg19) VCF-style: chr2-128415099-G-A.
Other names: c.115C>T, p.Arg39Cys (NM_001136037.4); c.34C>T, p.Arg12Cys (NM_001161404.2); c.121C>T, p.Arg41Cys (NM_017980.5); c.121C>T (NM_017980.4); c.115C>T (NM_001136037.2); short protein forms R12C, R17C, R39C, R41C.
Identifiers: ClinVar variation 1054460 (VCV001054460.12), dbSNP rs760929162, ClinGen allele CA1863591.
Genomic context (GRCh38, chr2:127,657,525, plus strand): 5'-GGTACAGCTCCCCATTGCTGTTGACAATGCGCTCGGCGGGGGAGAAGCGGGCCTGGCAGC[G>A]CTGGCACACGGCGTTGGCCAAGGCGTCCGACATATTGCTGGGGGCAGGAGACAGGAGGAG-3'
Protein context (NP_001154875.1, residues 7-27): SDALANAVCQ[Arg17Cys]CQARFSPAER